The following is an entry in ClinVar:

ClinVar aggregate classification (germline): Uncertain significance. Review status: criteria provided, multiple submitters, no conflicts (2 of 4 stars). 3 submissions from 3 submitters: Uncertain significance (3). Last evaluated 2025-04-18.

Conditions:
Medulloblastoma (MDB). Also called: MEDULLOBLASTOMA PREDISPOSITION SYNDROME; Medulloblastoma, somatic. Identifiers: Orphanet 616, MedGen C0025149, MeSH D008527, MONDO:0007959, OMIM 155255, HP:0002885.
Gorlin syndrome. Also called: Nevoid Basal Cell Carcinoma Syndrome; Basal cell nevus syndrome. Identifiers: Orphanet 377, MedGen C0004779, MONDO:0007187.
Hereditary cancer-predisposing syndrome. Also called: Hereditary neoplastic syndrome; Neoplastic Syndromes, Hereditary; Tumor predisposition; Hereditary Cancer Syndrome. Identifiers: Orphanet 140162, MedGen C0027672, MeSH D009386, MONDO:0015356.

Submissions (3):

Ambry Genetics
Classification: Uncertain significance for Hereditary cancer-predisposing syndrome. Last evaluated: 2025-04-18. Review status: criteria provided, single submitter. Criteria: Ambry Variant Classification Scheme 2023. Collection method: clinical testing. Allele origin: germline.
Comment: The p.V369L variant (also known as c.1105G>C), located in coding exon 9 of the SUFU gene, results from a G to C substitution at nucleotide position 1105. The valine at codon 369 is replaced by leucine, an amino acid with highly similar properties. This alteration has been reported in an individual from a high-risk colorectal cancer family (Martin-Morales L et al. PLoS One, 2018 Sep;13:e0203885). It has also been reported in an individual affected with breast and/or ovarian cancer (Van Marcke C et al. Breast Cancer Res, 2020 Apr;22:36). This amino acid position is highly conserved in available vertebrate species. In addition, the in silico prediction for this alteration is inconclusive. Since supporting evidence is limited at this time, the clinical significance of this alteration remains unclear.

Labcorp Genetics (formerly Invitae), Labcorp
Classification: Uncertain significance for Gorlin syndrome; Medulloblastoma. Last evaluated: 2024-09-22. Review status: criteria provided, single submitter. Criteria: Invitae Variant Classification Sherloc (09022015). Collection method: clinical testing. Allele origin: germline.
Comment: This sequence change replaces valine, which is neutral and non-polar, with leucine, which is neutral and non-polar, at codon 369 of the SUFU protein (p.Val369Leu). This variant is not present in population databases (gnomAD no frequency). This variant has not been reported in the literature in individuals affected with SUFU-related conditions. ClinVar contains an entry for this variant (Variation ID: 1045356). Invitae Evidence Modeling of protein sequence and biophysical properties (such as structural, functional, and spatial information, amino acid conservation, physicochemical variation, residue mobility, and thermodynamic stability) indicates that this missense variant is not expected to disrupt SUFU protein function with a negative predictive value of 80%. In summary, the available evidence is currently insufficient to determine the role of this variant in disease. Therefore, it has been classified as a Variant of Uncertain Significance.

GeneDx
Classification: Uncertain significance. Last evaluated: 2022-02-03. Review status: criteria provided, single submitter. Criteria: GeneDx Variant Classification Process June 2021. Collection method: clinical testing. Allele origin: germline. Affected: yes.
Comment: Not observed at significant frequency in large population cohorts (gnomAD); In silico analysis supports that this missense variant does not alter protein structure/function; Has not been previously published as pathogenic or benign to our knowledge

Literature cited by the submitters: PubMed 30256826 (cited by Ambry Genetics); PubMed 32295625 (cited by Ambry Genetics).

NM_016169.4(SUFU):c.1105G>C (p.Val369Leu)

Gene: SUFU (SUFU negative regulator of hedgehog signaling; plus strand). Cytogenetic location: 10q24.32.
Variant type: single nucleotide variant.
Coding change: c.1105G>C on transcript NM_016169.4 (MANE Select); coding-DNA position 1105, G replaced by C.
Protein change: p.Val369Leu; replaces valine 369 with leucine.
Molecular consequence: missense variant.
Genome position (GRCh38, 1-based): chr10:102,615,350, G>C. VCF-style: chr10-102615350-G-C. GRCh37 (hg19) VCF-style: chr10-104375107-G-C.
Other names: c.1105G>C, p.Val369Leu (NM_001178133.2); short protein forms V369L.
Identifiers: ClinVar variation 1045356 (VCV001045356.11), dbSNP rs149449923, ClinGen allele CA377914250.